The following is an entry in ClinVar:

ClinVar aggregate classification (germline): Likely benign (0 of 4 stars; one submission).

Conditions:
VPS13B-related disorder. Also called: VPS13B-related condition.

Submission:

PreventionGenetics, part of Exact Sciences
Classification: Likely benign for VPS13B-related condition. Last evaluated: 2023-10-26. Review status: no assertion criteria provided. Collection method: clinical testing. Allele origin: germline.
Comment: This variant is classified as likely benign based on ACMG/AMP sequence variant interpretation guidelines (Richards et al. 2015 PMID: 25741868, with internal and published modifications).

NM_152564.5(VPS13B):c.11013G>A (p.Gly3671=)

Gene: VPS13B (vacuolar protein sorting 13 homolog B; plus strand). Cytogenetic location: 8q22.2.
Variant type: single nucleotide variant.
Coding change: c.11013G>A on transcript NM_152564.5 (MANE Select); coding-DNA position 11013, G replaced by A.
Protein change: p.Gly3671=; no amino-acid change (glycine 3671 retained).
Molecular consequence: synonymous variant.
Genome position (GRCh38, 1-based): chr8:99,859,449, G>A. VCF-style: chr8-99859449-G-A. GRCh37 (hg19) VCF-style: chr8-100871677-G-A.
Other names: c.11088G>A, p.Gly3696= (NM_017890.5).
Identifiers: ClinVar variation 3348910 (VCV003348910.1).